The following is an entry in ClinVar:

ClinVar aggregate classification (germline): Pathogenic. Review status: reviewed by expert panel (3 of 4 stars). 25 submissions from 25 submitters: Pathogenic (1). 24 of the submissions do not count toward it. Last evaluated 2016-09-08.

Conditions:
Inherited ovarian cancer (without breast cancer).
BRCA2-related disorder. Also called: BRCA2-related condition; BRCA2-related disorders. Identifiers: MedGen CN239275.
Hereditary cancer-predisposing syndrome. Also called: Hereditary Cancer Syndrome; Tumor predisposition; Neoplastic Syndromes, Hereditary; Hereditary neoplastic syndrome. Identifiers: Orphanet 140162, MedGen C0027672, MeSH D009386, MONDO:0015356.
Hereditary breast ovarian cancer syndrome. Also called: Breast and ovarian cancer; BRCA1- and BRCA2-Associated Hereditary Breast and Ovarian Cancer; Hereditary breast and ovarian cancer; Hereditary breast and ovarian cancer syndrome (HBOC); Hereditary breast and ovarian cancer syndrome; Hereditary breast and/or ovarian cancer syndrome. Identifiers: Orphanet 145, MedGen C0677776, MeSH D061325, MONDO:0003582. Disease mechanism: loss of function.
Breast-ovarian cancer, familial, susceptibility to, 2 (BROVCA2). Also called: BRCA2 Hereditary Breast and Ovarian Cancer. Identifiers: Orphanet 145, MedGen C2675520, MONDO:0012933, OMIM 612555. Disease mechanism: loss of function.
Breast-ovarian cancer, familial, susceptibility to, 1 (BROVCA1). Also called: BRCA1 Hereditary Breast and Ovarian Cancer; OVARIAN CANCER, SUSCEPTIBILITY TO. Identifiers: Orphanet 145, MedGen C2676676, MONDO:0011450, OMIM 604370. Disease mechanism: loss of function.
Familial cancer of breast. Also called: BREAST CANCER, FAMILIAL; hereditary breast carcinoma; Hereditary breast cancer. Identifiers: Orphanet 227535, MedGen C0346153, MONDO:0016419, OMIM 114480. Disease mechanism: loss of function.

Allele frequency attached by ClinVar (database versions not stated): gnomAD 0.00001; gnomAD exomes 0.00001; ExAC 0.00002.
gnomAD v4.1: 5 of 1,612,346 alleles (0.00031%); highest among the groups gnomAD compares: Non-Finnish European, 0.00042%; no homozygotes.

Submissions 1 to 11 of 25:

Evidence-based Network for the Interpretation of Germline Mutant Alleles (ENIGMA)
Classification: Pathogenic for Breast-ovarian cancer, familial, susceptibility to, 2. Last evaluated: 2016-09-08. Review status: reviewed by expert panel. Criteria: ENIGMA BRCA1/2 Classification Criteria (2015). Collection method: curation. Allele origin: germline.
Comment: Variant allele predicted to encode a truncated non-functional protein.

Genetics Laboratory, Great Ormond Street Hospital NHS Foundation Trust, North Thames Genomic Laboratory Hub
Classification: Pathogenic for Inherited ovarian cancer (without breast cancer). Last evaluated: 2026-07-11. Review status: criteria provided, single submitter. Criteria: CanVIG BRCA Gene Specific V1.22. Collection method: clinical testing. Allele origin: germline. Affected: yes. Not counted in ClinVar's aggregate classification.
Comment: PS4_supporting, PM2_supporting, PVS1_very-strong, PM5_strong

Women's Health and Genetics/Laboratory Corporation of America, LabCorp
Classification: Pathogenic for Hereditary breast ovarian cancer syndrome. Last evaluated: 2026-05-18. Review status: criteria provided, single submitter. Criteria: LabCorp Variant Classification Summary - May 2015. Collection method: clinical testing. Allele origin: germline. Not counted in ClinVar's aggregate classification.
Comment: Variant summary: BRCA2 c.4889C>G (p.Ser1630X) results in a premature termination codon, predicted to cause a truncation of the encoded protein or absence of the protein due to nonsense mediated decay, which are commonly known mechanisms for disease. The variant allele was found at a frequency of 8e-06 in 250342 control chromosomes (gnomAD). c.4889C>G has been observed in multiple individuals affected with Hereditary Breast And Ovarian Cancer Syndrome (e.g. Rebbeck_2018, Castera_2014, McVeigh_2014, Rodriguez_2012, Malone_2006, Ozcelik_2003, Ottini_2000). These data indicate that the variant is very likely to be associated with disease. The following publications have been ascertained in the context of this evaluation (PMID: 24549055, 16912212, 23884708, 11056688, 12920083, 29446198, 22044689). ClinVar contains an entry for this variant (Variation ID: 51732). Based on the evidence outlined above, the variant was classified as pathogenic.

Institute of Immunology and Genetics Kaiserslautern
Classification: Pathogenic for Breast-ovarian cancer, familial, susceptibility to, 1. Last evaluated: 2025-08-04. Review status: criteria provided, single submitter. Criteria: ACMG Guidelines, 2015. Collection method: clinical testing. Allele origin: germline. Affected: yes. Not counted in ClinVar's aggregate classification.
Comment: ACMG Criteria: PVS1, PM2, PP5_M.

Labcorp Genetics (formerly Invitae), Labcorp
Classification: Pathogenic for Hereditary breast ovarian cancer syndrome. Last evaluated: 2025-07-14. Review status: criteria provided, single submitter. Criteria: Invitae Variant Classification Sherloc (09022015). Collection method: clinical testing. Allele origin: germline. Not counted in ClinVar's aggregate classification.
Comment: This sequence change creates a premature translational stop signal (p.Ser1630*) in the BRCA2 gene. It is expected to result in an absent or disrupted protein product. Loss-of-function variants in BRCA2 are known to be pathogenic (PMID: 20104584). This variant is present in population databases (rs80358711, gnomAD 0.002%). This premature translational stop signal has been observed in individual(s) with breast cancer (PMID: 12920083, 17624602, 22762150). This variant is also known as 5117C>G. ClinVar contains an entry for this variant (Variation ID: 51732). For these reasons, this variant has been classified as Pathogenic.

NHS Central & South Genomic Laboratory Hub
Classification: Pathogenic for Inherited ovarian cancer (without breast cancer). Last evaluated: 2025-04-09. Review status: criteria provided, single submitter. Criteria: ACMG Guidelines, 2015. Collection method: clinical testing. Allele origin: germline. Affected: yes. Not counted in ClinVar's aggregate classification.

Ambry Genetics
Classification: Pathogenic for Hereditary cancer-predisposing syndrome. Last evaluated: 2025-04-07. Review status: criteria provided, single submitter. Criteria: Ambry Variant Classification Scheme 2023. Collection method: clinical testing. Allele origin: germline. Not counted in ClinVar's aggregate classification.
Comment: The p.S1630* pathogenic mutation (also known as c.4889C>G), located in coding exon 10 of the BRCA2 gene, results from a C to G substitution at nucleotide position 4889. This changes the amino acid from a serine to a stop codon within coding exon 10. This mutation has been previously reported in French, Italian, Colombian, and Hispanic American hereditary breast and ovarian cancer families (Ottini L et al. Breast Cancer Res. 2000 Mar;2:307-10; Ozcelik H et al. J. Med. Genet. 2003 Aug;40:e91; Claus EB et al. JAMA. 2005 Feb;293:964-9; Monnerat C et al. Fam. Cancer. 2007 Jul;6:453-61; Rodriguez AO et al. Gynecol. Oncol. 2012 Feb;124:236-43). Of note, this mutation is also designated as S1630X or 5117C>G in published literature. In addition to the clinical data presented in the literature, this alteration is expected to result in loss of function by premature protein truncation or nonsense-mediated mRNA decay. As such, this alteration is interpreted as a disease-causing mutation.

Quest Diagnostics Nichols Institute San Juan Capistrano
Classification: Pathogenic. Last evaluated: 2024-12-28. Review status: criteria provided, single submitter. Criteria: Quest Diagnostics criteria. Collection method: clinical testing. Allele origin: unknown. Not counted in ClinVar's aggregate classification.
Comment: The BRCA2 c.4889C>G (p.Ser1630*) variant causes the premature termination of BRCA2 protein synthesis. This variant has been reported in the published literature in individuals affected with breast cancer (PMID: 32341426 (2020), 25342642 (2014), 24549055 (2014), 22762150 (2012), 15728167 (2005), 12920083 (2003)), ovarian cancer (PMID: 36555431 (2022), 30322717 (2018), 29625052 (2018)), prostate cancer (PMID: 30625039 (2019)), and pancreatic cancer (PMID: 30736435 (209)). The frequency of this variant in the general population (Genome Aggregation Database) is consistent with pathogenicity. Based on the available information, this variant is classified as pathogenic.

Dasa
Classification: Pathogenic for Breast-ovarian cancer, familial, susceptibility to, 2. Last evaluated: 2024-11-22. Review status: criteria provided, single submitter. Criteria: DASA Assertion Criteria. Collection method: clinical testing. Allele origin: germline. Not counted in ClinVar's aggregate classification.
Comment: NM_000059.4(BRCA2):c.4889C>G (p.Ser1630*) introduces a premature termination codon predicted to result in loss of normal protein function. Loss-of-function is an established mechanism of disease for this gene. The affected residue or protein region has prior evidence supporting clinical relevance. The variant is present at low frequency in population datasets. Based on the available data, this variant is classified as pathogenic.

Blueprint Genetics
Classification: Pathogenic for BRCA2-related disorders. Last evaluated: 2024-07-30. Review status: criteria provided, single submitter. Criteria: ACMG Guidelines, 2015. Collection method: clinical testing. Allele origin: germline. Affected: yes. Observed: 2 variant alleles. Not counted in ClinVar's aggregate classification.

Color Diagnostics, LLC DBA Color Health
Classification: Pathogenic for Hereditary cancer-predisposing syndrome. Last evaluated: 2024-04-29. Review status: criteria provided, single submitter. Criteria: ACMG Guidelines, 2015. Collection method: clinical testing. Allele origin: germline. Not counted in ClinVar's aggregate classification.
Comment: This variant changes 1 nucleotide in exon 11 of the BRCA2 gene, creating a premature translation stop signal. This variant is also known as 5117C>G in the literature. This variant is expected to result in an absent or non-functional protein product. This variant has been detected in at least 10 Individuals and families affected with breast and ovarian cancer (PMID: 11056688, 12920083, 15131399, 16912212, 17624602, 22044689, 23884708, 24549055, 25342642, 28831036, 33471991; Leiden Open Variation Database DB-ID BRCA2_002196) and an individual affected with prostate cancer (PMID: 23569316). This variant has been identified in 2/248994 chromosomes in the general population by the Genome Aggregation Database (gnomAD). Loss of BRCA2 function is a known mechanism of disease. Based on the available evidence, this variant is classified as Pathogenic.

NM_000059.4(BRCA2):c.4889C>G (p.Ser1630Ter)

Gene: BRCA2 (BRCA2 DNA repair associated; plus strand). Cytogenetic location: 13q13.1.
Variant type: single nucleotide variant.
Coding change: c.4889C>G on transcript NM_000059.4 (MANE Select); coding-DNA position 4889, C replaced by G.
Protein change: p.Ser1630Ter; replaces serine 1630 with a stop codon.
Molecular consequence: nonsense.
Genome position (GRCh38, 1-based): chr13:32,339,244, C>G. VCF-style: chr13-32339244-C-G. GRCh37 (hg19) VCF-style: chr13-32913381-C-G.
Other names: 5117C>G; short protein forms S1630*.
Identifiers: ClinVar variation 51732 (VCV000051732.76), dbSNP rs80358711, ClinGen allele CA020955.